The following is an entry in ClinVar:

ClinVar aggregate classification (germline): Uncertain significance. Review status: criteria provided, multiple submitters, no conflicts (2 of 4 stars). 3 submissions from 3 submitters: Uncertain significance (2). 1 of the submissions does not count toward it. Last evaluated 2025-04-01.

Conditions:
Dyskeratosis congenita. Identifiers: Orphanet 1775, MedGen C0265965, MONDO:0015780.
Inborn genetic diseases. Identifiers: MedGen C0950123, MeSH D030342.

gnomAD v4.1: 3 of 1,612,320 alleles (0.00019%); highest among the groups gnomAD compares: Non-Finnish European, 0.00025%; no homozygotes.

Submissions (3):

Ambry Genetics
Classification: Uncertain significance for Inborn genetic diseases. Last evaluated: 2025-04-01. Review status: criteria provided, single submitter. Criteria: Ambry Variant Classification Scheme 2023. Collection method: clinical testing. Allele origin: germline.
Comment: The p.D1017E variant (also known as c.3051C>A), located in coding exon 30 of the RTEL1 gene, results from a C to A substitution at nucleotide position 3051. The aspartic acid at codon 1017 is replaced by glutamic acid, an amino acid with highly similar properties. This amino acid position is conserved. In addition, the in silico prediction for this alteration is inconclusive. Based on the available evidence, the clinical significance of this variant remains unclear.

CeGaT Center for Human Genetics Tuebingen
Classification: Uncertain significance. Last evaluated: 2022-10-01. Review status: criteria provided, single submitter. Criteria: CeGaT Center For Human Genetics Tuebingen Variant Classification Criteria Version 2. Collection method: clinical testing. Allele origin: germline. Affected: yes. Observed: 1 variant allele.
Comment: RTEL1: PM2

Natera, Inc.
Classification: Uncertain significance for Dyskeratosis congenita. Last evaluated: 2025-02-24. Review status: no assertion criteria provided. Collection method: clinical testing. Allele origin: germline. Not counted in ClinVar's aggregate classification.

NM_001283009.2(RTEL1):c.3051C>A (p.Asp1017Glu)

Genes: RTEL1 (regulator of telomere elongation helicase 1; plus strand), RTEL1-TNFRSF6B (RTEL1-TNFRSF6B readthrough (NMD candidate); plus strand). Cytogenetic location: 20q13.33.
Variant type: single nucleotide variant.
Coding change: c.3051C>A on transcript NM_001283009.2 (MANE Select); coding-DNA position 3051, C replaced by A.
Protein change: p.Asp1017Glu; replaces aspartic acid 1017 with glutamic acid.
Molecular consequence: missense variant. On other transcripts: non-coding transcript variant (1).
Genome position (GRCh38, 1-based): chr20:63,694,430, C>A. VCF-style: chr20-63694430-C-A. GRCh37 (hg19) VCF-style: chr20-62325783-C-A.
Other names: c.2382C>A, p.Asp794Glu (NM_001283010.1); c.3051C>A, p.Asp1017Glu (NM_016434.4); c.3123C>A, p.Asp1041Glu (NM_032957.5); c.3123C>A (NM_032957.4); short protein forms D1017E, D1041E, D794E.
Identifiers: ClinVar variation 1879539 (VCV001879539.30), dbSNP rs748756306, ClinGen allele CA9965814.